The following is an entry in ClinVar:

ClinVar aggregate classification (germline): Likely benign (1 of 4 stars; one submission).

Allele frequency attached by ClinVar (database versions not stated): gnomAD exomes below 0.00001.
gnomAD v4.1: 1 of 1,380,936 alleles (0.000072%); highest among the groups gnomAD compares: Non-Finnish European, 0.0001%; no homozygotes.

Submission:

GeneDx
Classification: Likely benign. Last evaluated: 2017-07-10. Review status: criteria provided, single submitter. Criteria: GeneDx Variant Classification (06012015). Collection method: clinical testing. Allele origin: germline. Affected: yes.
Comment: This variant is considered likely benign or benign based on one or more of the following criteria: it is a conservative change, it occurs at a poorly conserved position in the protein, it is predicted to be benign by multiple in silico algorithms, and/or has population frequency not consistent with disease.

NM_001365088.1(SLC12A6):c.316+14G>A

Gene: SLC12A6 (solute carrier family 12 member 6; minus strand). Cytogenetic location: 15q14.
Variant type: single nucleotide variant.
Coding change: c.316+14G>A on transcript NM_001365088.1 (MANE Select); 14 bases into the intron after coding-DNA position 316, G replaced by A.
Molecular consequence: intron variant.
Genome position (GRCh38, 1-based): chr15:34,275,331, C>T on the plus strand (G>A on the coding strand, the complement: SLC12A6 is on the minus strand). VCF-style: chr15-34275331-C-T. GRCh37 (hg19) VCF-style: chr15-34567532-C-T.
Other names: c.139+14G>A (NM_001042495.2, NM_001042494.2); c.289+14G>A (NM_001042496.2); c.272-14311G>A (NM_001042497.2); c.316+14G>A (NM_133647.2); c.163+14G>A (NM_005135.2).
Identifiers: ClinVar variation 510655 (VCV000510655.1), dbSNP rs1555384157, ClinGen allele CA658798293.